The following is an entry in ClinVar:

ClinVar aggregate classification (germline): Likely benign. Review status: criteria provided, multiple submitters, no conflicts (2 of 4 stars). 3 submissions from 3 submitters: Likely benign (3). Last evaluated 2025-02-26.

Conditions:
Cardiovascular phenotype. Identifiers: MedGen CN230736.

Allele frequency attached by ClinVar (database versions not stated): ExAC 0.00002; gnomAD 0.00003; gnomAD exomes 0.00004; 1000 Genomes Project 30x 0.00016; 1000 Genomes Project 0.00020.
gnomAD v4.1: 57 of 1,604,428 alleles (0.0036%); highest among the groups gnomAD compares: East Asian, 0.036%; no homozygotes.

Submissions (3):

Mayo Clinic Laboratories, Mayo Clinic
Classification: Likely benign. Last evaluated: 2025-02-26. Review status: criteria provided, single submitter. Criteria: ACMG Guidelines, 2015. Collection method: clinical testing. Allele origin: germline. Observed: 1 variant allele.
Comment: BP4, BP7

Labcorp Genetics (formerly Invitae), Labcorp
Classification: Likely benign. Last evaluated: 2024-10-03. Review status: criteria provided, single submitter. Criteria: Invitae Variant Classification Sherloc (09022015). Collection method: clinical testing. Allele origin: germline.

Ambry Genetics
Classification: Likely benign for Cardiovascular phenotype. Last evaluated: 2022-08-08. Review status: criteria provided, single submitter. Criteria: Ambry Variant Classification Scheme 2023. Collection method: clinical testing. Allele origin: germline.

NM_004444.5(EPHB4):c.468C>T (p.Thr156=)

Gene: EPHB4 (EPH receptor B4; minus strand). Cytogenetic location: 7q22.1.
Variant type: single nucleotide variant.
Coding change: c.468C>T on transcript NM_004444.5 (MANE Select); coding-DNA position 468, C replaced by T.
Protein change: p.Thr156=; no amino-acid change (threonine 156 retained).
Molecular consequence: synonymous variant.
Genome position (GRCh38, 1-based): chr7:100,822,611, G>A on the plus strand (C>T on the coding strand, the complement: EPHB4 is on the minus strand). VCF-style: chr7-100822611-G-A. GRCh37 (hg19) VCF-style: chr7-100420233-G-A.
Other names: p.Thr156=.
Identifiers: ClinVar variation 1742455 (VCV001742455.5), dbSNP rs536233149, ClinGen allele CA4393274.